The following is an entry in ClinVar:

ClinVar aggregate classification (germline): Uncertain significance (1 of 4 stars; one submission).

Allele frequency attached by ClinVar (database versions not stated): gnomAD exomes below 0.00001.
gnomAD v4.1: 1 of 1,611,392 alleles (0.000062%); highest among the groups gnomAD compares: Admixed American, 0.0017%; no homozygotes.

Submission:

Labcorp Genetics (formerly Invitae), Labcorp
Classification: Uncertain significance. Last evaluated: 2022-03-23. Review status: criteria provided, single submitter. Criteria: Invitae Variant Classification Sherloc (09022015). Collection method: clinical testing. Allele origin: germline.
Comment: In summary, the available evidence is currently insufficient to determine the role of this variant in disease. Therefore, it has been classified as a Variant of Uncertain Significance. This variant is not present in population databases (gnomAD no frequency). This variant has not been reported in the literature in individuals affected with RGS9-related conditions. Algorithms developed to predict the effect of missense changes on protein structure and function (SIFT, PolyPhen-2, Align-GVGD) all suggest that this variant is likely to be disruptive. This sequence change replaces proline, which is neutral and non-polar, with leucine, which is neutral and non-polar, at codon 604 of the RGS9 protein (p.Pro604Leu).

NM_003835.4(RGS9):c.1811C>T (p.Pro604Leu)

Gene: RGS9 (regulator of G protein signaling 9; plus strand). Cytogenetic location: 17q24.1.
Variant type: single nucleotide variant.
Coding change: c.1811C>T on transcript NM_003835.4 (MANE Select); coding-DNA position 1811, C replaced by T.
Protein change: p.Pro604Leu; replaces proline 604 with leucine.
Molecular consequence: missense variant.
Genome position (GRCh38, 1-based): chr17:65,225,405, C>T. VCF-style: chr17-65225405-C-T. GRCh37 (hg19) VCF-style: chr17-63221523-C-T.
Other names: c.1802C>T, p.Pro601Leu (NM_001081955.3); short protein forms P604L, P601L.
Identifiers: ClinVar variation 1941686 (VCV001941686.5), dbSNP rs2509453007, ClinGen allele CA400674022.